The following is an entry in ClinVar:

NC_000009.12:g.35658028GCTTCACAGAG[4]

Gene: RMRP (RNA component of mitochondrial RNA processing endoribonuclease; minus strand). Cytogenetic location: 9p13.3.
Variant type: Microsatellite.
Genome position: GRCh38, VCF-style position (the base before the change): chr9:35,658,027. GRCh37 (hg19), VCF-style position (the base before the change): chr9:35,658,024.
Identifiers: ClinVar variation 1452640 (VCV001452640.8), dbSNP rs1554651486, ClinGen allele CA918446919.

ClinVar aggregate classification (germline): Pathogenic (1 of 4 stars; one submission).

Conditions:
Anauxetic dysplasia. Identifiers: Orphanet 93347, MedGen C1846796, MONDO:0011773.

Submission:

Labcorp Genetics (formerly Invitae), Labcorp
Classification: Pathogenic for Anauxetic dysplasia. Last evaluated: 2020-12-06. Review status: criteria provided, single submitter. Criteria: Invitae Variant Classification Sherloc (09022015). Collection method: clinical testing. Allele origin: germline.
Comment: The frequency data for this variant in the population databases is considered unreliable, as metrics indicate insufficient coverage at this position in the ExAC database. This variant occurs in the RMRP gene, which encodes an RNA molecule that does not result in a protein product. While this particular variant has not been reported in the literature, it is located in the promoter region between the TATA box and the transcription initiation site, and other insertions and duplications immediately upstream of the coding sequence have been reported in individuals affected with cartilage-hair hypoplasia-anauxetic dysplasia (CHH-AD) spectrum disorders (PMID: 16244706, 11207361, 12107819). While functional studies for this variant have not been reported, experimental analyses using patient derived cells, as well as in vitro transfection studies, have shown that promoter insertions result in silencing of RMRP transcription and reduced expression of the gene product (PMID: 11207361, 16254002). For these reasons, this variant has been classified as Pathogenic.

Literature cited by the submitters: PubMed 16244706; PubMed 11207361; PubMed 12107819; PubMed 16254002.